The following is an entry in ClinVar:

ClinVar aggregate classification (germline): Pathogenic (1 of 4 stars; one submission).

Conditions:
Cholestanol storage disease (CTX). Also called: Cerebrotendinous Xanthomatosis; CTX: Cerebrotendinous xanthomatosis; CEREBRAL CHOLESTERINOSIS. Identifiers: Orphanet 909, MedGen C0238052, MONDO:0008948, OMIM 213700.

Submission:

Labcorp Genetics (formerly Invitae), Labcorp
Classification: Pathogenic for Cholestanol storage disease. Last evaluated: 2023-03-07. Review status: criteria provided, single submitter. Criteria: Invitae Variant Classification Sherloc (09022015). Collection method: clinical testing. Allele origin: germline.
Comment: ClinVar contains an entry for this variant (Variation ID: 1393558). For these reasons, this variant has been classified as Pathogenic. This variant has not been reported in the literature in individuals affected with CYP27A1-related conditions. This variant is not present in population databases (gnomAD no frequency). This sequence change creates a premature translational stop signal (p.Tyr397*) in the CYP27A1 gene. It is expected to result in an absent or disrupted protein product. Loss-of-function variants in CYP27A1 are known to be pathogenic (PMID: 9392430, 10775536, 26937392).

Literature cited by the submitters: PubMed 9392430; PubMed 10775536; PubMed 26937392.

NM_000784.4(CYP27A1):c.1191C>A (p.Tyr397Ter)

Gene: CYP27A1 (cytochrome P450 family 27 subfamily A member 1; plus strand). Cytogenetic location: 2q35.
Variant type: single nucleotide variant.
Coding change: c.1191C>A on transcript NM_000784.4 (MANE Select); coding-DNA position 1191, C replaced by A.
Protein change: p.Tyr397Ter; replaces tyrosine 397 with a stop codon.
Molecular consequence: nonsense.
Genome position (GRCh38, 1-based): chr2:218,814,386, C>A. VCF-style: chr2-218814386-C-A. GRCh37 (hg19) VCF-style: chr2-219679109-C-A.
Other names: short protein forms Y397*.
Identifiers: ClinVar variation 1393558 (VCV001393558.6), dbSNP rs2105981050, ClinGen allele CA350592980.
Genomic context (GRCh38, chr2:218,814,386, plus strand): 5'-CACTTTGTACCCCCATGAATCCAGAGCAGACTCCAGACATTCTTTTCCCTGCAGTCTCTA[C>A]CCTGTGGTCCCCACAAACTCCCGGATCATAGAAAAGGAAATTGAAGTTGATGGCTTCCTC-3'